The following is an entry in ClinVar:

NM_001360.3(DHCR7):c.1060G>A (p.Ala354Thr)

Gene: DHCR7 (7-dehydrocholesterol reductase; minus strand). Cytogenetic location: 11q13.4.
Variant type: single nucleotide variant.
Coding change: c.1060G>A on transcript NM_001360.3 (MANE Select); coding-DNA position 1060, G replaced by A.
Protein change: p.Ala354Thr; replaces alanine 354 with threonine.
Molecular consequence: missense variant. On other transcripts: nonsense (2), 3 prime UTR variant (1), intron variant (3).
Genome position (GRCh38, 1-based): chr11:71,435,743, C>T on the plus strand (G>A on the coding strand, the complement: DHCR7 is on the minus strand). VCF-style: chr11-71435743-C-T. GRCh37 (hg19) VCF-style: chr11-71146789-C-T.
Other names: c.1060G>A, p.Ala354Thr (NM_001163817.2, NM_001425109.1, NM_001425110.1 and 1 more transcripts); c.1111G>A, p.Ala371Thr (NM_001425107.1); c.1096G>A, p.Ala366Thr (NM_001425108.1); c.1194G>A, p.Trp398Ter (NM_001425112.1); c.1000G>A, p.Ala334Thr (NM_001425113.1); c.964G>A, p.Ala322Thr (NM_001425114.1); c.1098G>A, p.Trp366Ter (NM_001425116.1); c.886G>A, p.Ala296Thr (NM_001425117.1); and 4 more; short protein forms A371T, W398*, A296T, A354T, A322T, A334T, A366T, W366*.
Identifiers: ClinVar variation 4983962 (VCV004983962.1).
Genomic context (GRCh38, chr11:71,435,743, plus strand): 5'-TCCTGCCCCAGATGAGGCAGCGCCCATCCGTGCGGCGGAACAGGTCCTTCTGGTGGTTGG[C>T]CACCCGGAAGATGTAGTAGCCCACCAGGCCCAGCAGCAGGACGCCCACGGCGTGCGGGGT-3'
Protein context (NP_001351.2, residues 344-364): GLVGYYIFRV[Ala354Thr]NHQKDLFRRT

ClinVar aggregate classification (germline): Uncertain significance. Review status: criteria provided, multiple submitters, no conflicts (2 of 4 stars). 2 submissions from 2 submitters: Uncertain significance (2). Last evaluated 2026-07-16.

Conditions:
DHCR7-related disorder. Also called: DHCR7-related condition.
Smith-Lemli-Opitz syndrome (SLOS). Also called: LETHAL ACRODYSGENITAL SYNDROME; POLYDACTYLY, SEX REVERSAL, RENAL HYPOPLASIA, AND UNILOBAR LUNG; RSH SYNDROME; RUTLEDGE LETHAL MULTIPLE CONGENITAL ANOMALY SYNDROME; 7-Dehydrocholesterol reductase deficiency. Identifiers: Orphanet 818, MedGen C0175694, MONDO:0010035, OMIM 270400.

Submissions (2):

Myriad Genetics, Inc.
Classification: Uncertain significance for Smith-Lemli-Opitz syndrome. Last evaluated: 2026-07-16. Review status: criteria provided, single submitter. Criteria: Myriad Autosomal Dominant, Autosomal Recessive and X-Linked Classification Criteria (2023). Collection method: clinical testing. Allele origin: unknown.
Comment: NM_001360.2(DHCR7):c.1060G>A(A354T) is a missense variant classified as a variant of uncertain significance in the context of Smith-Lemli-Opitz syndrome. A354T has not been observed in cases with relevant disease. Relevant functional assessments of this variant are not available in the literature. A354T has been observed in referenced population frequency databases. In summary, there is insufficient evidence to classify NM_001360.2(DHCR7):c.1060G>A(A354T) as pathogenic or benign. Please note: this variant was assessed in the context of healthy population screening.

PreventionGenetics, part of Exact Sciences
Classification: Uncertain significance for DHCR7-related condition. Last evaluated: 2026-06-24. Review status: criteria provided, single submitter. Criteria: ACMG Guidelines, 2015. Collection method: clinical testing. Allele origin: germline.
Comment: The DHCR7 c.1060G>A variant is predicted to result in the amino acid substitution p.Ala354Thr. This variant was reported in the compound heterozygous state in an individual with cleft lip and palate (Table S2, Fu et al. 2022. PubMed ID: 36307859). This variant is reported in 0.0055% of alleles in individuals of East Asian descent in gnomAD. At this time, the clinical significance of this variant is uncertain due to the absence of conclusive functional and genetic evidence.